The following is an entry in ClinVar:

NM_000282.4(PCCA):c.1724C>G (p.Ser575Ter)

Gene: PCCA (propionyl-CoA carboxylase subunit alpha; plus strand). Cytogenetic location: 13q32.3.
Variant type: single nucleotide variant.
Coding change: c.1724C>G on transcript NM_000282.4 (MANE Select); coding-DNA position 1724, C replaced by G.
Protein change: p.Ser575Ter; replaces serine 575 with a stop codon.
Molecular consequence: nonsense. On other transcripts: non-coding transcript variant (2).
Genome position (GRCh38, 1-based): chr13:100,368,552, C>G. VCF-style: chr13-100368552-C-G. GRCh37 (hg19) VCF-style: chr13-101020806-C-G.
Other names: c.1646C>G, p.Ser549Ter (NM_001127692.3, NM_001352607.2); c.1724C>G, p.Ser575Ter (NM_001178004.2, NM_001352605.2, NM_001352609.2); c.1580C>G, p.Ser527Ter (NM_001352606.2); c.1502C>G, p.Ser501Ter (NM_001352608.2); c.779C>G, p.Ser260Ter (NM_001352610.2, NM_001352611.2); c.635C>G, p.Ser212Ter (NM_001352612.2); short protein forms S549*, S527*, S212*, S260*, S501*, S575*.
Identifiers: ClinVar variation 4716713 (VCV004716713.1).

ClinVar aggregate classification (germline): Pathogenic (1 of 4 stars; one submission).

Conditions:
Propionic acidemia (PROP). Also called: GLYCINEMIA, KETOTIC; HYPERGLYCINEMIA WITH KETOACIDOSIS AND LEUKOPENIA; KETOTIC HYPERGLYCINEMIA. Identifiers: Orphanet 35, MedGen C0268579, MONDO:0011628, OMIM 606054, HP:0003571.

gnomAD v4.1: 1 of 1,603,700 alleles (0.000062%); highest among the groups gnomAD compares: South Asian, 0.0011%; no homozygotes.

Submission:

Labcorp Genetics (formerly Invitae), Labcorp
Classification: Pathogenic for Propionic acidemia. Last evaluated: 2025-04-03. Review status: criteria provided, single submitter. Criteria: Invitae Variant Classification Sherloc (09022015). Collection method: clinical testing. Allele origin: germline.
Comment: This sequence change creates a premature translational stop signal (p.Ser575*) in the PCCA gene. It is expected to result in an absent or disrupted protein product. Loss-of-function variants in PCCA are known to be pathogenic (PMID: 15464417). This variant is present in population databases (no rsID available, gnomAD 0.003%). This variant has not been reported in the literature in individuals affected with PCCA-related conditions. For these reasons, this variant has been classified as Pathogenic.

Literature cited by the submitters: PubMed 15464417.